The following is an entry in ClinVar:

NM_014314.4(RIGI):c.2337+11G>A

Gene: RIGI (RNA sensor RIG-I; minus strand). Cytogenetic location: 9p21.1.
Variant type: single nucleotide variant.
Coding change: c.2337+11G>A on transcript NM_014314.4 (MANE Select); 11 bases into the intron after coding-DNA position 2337, G replaced by A.
Molecular consequence: intron variant.
Genome position (GRCh38, 1-based): chr9:32,466,279, C>T on the plus strand (G>A on the coding strand, the complement: RIGI is on the minus strand). VCF-style: chr9-32466279-C-T. GRCh37 (hg19) VCF-style: chr9-32466277-C-T.
Other names: c.1728+11G>A (NM_001385912.1); c.2322+11G>A (NM_001385913.1); c.2331+11G>A (NM_001385907.1); c.2166+11G>A (NM_001385909.1); c.1893+11G>A (NM_001385914.1); c.1896+11G>A (NM_001385910.1).
Identifiers: ClinVar variation 1166851 (VCV001166851.15), dbSNP rs45589431, ClinGen allele CA5019533.

ClinVar aggregate classification (germline): Benign/Likely benign. Review status: criteria provided, multiple submitters, no conflicts (2 of 4 stars). 4 submissions from 4 submitters: Benign (3); Likely benign (1). Last evaluated 2026-02-04.

Conditions:
Singleton-Merten syndrome 2 (SGMRT2). Identifiers: Orphanet 85191, MedGen C4225380, MONDO:0014575, OMIM 616298.

Allele frequency attached by ClinVar (database versions not stated): 1000 Genomes Project 30x 0.05621; 1000 Genomes Project 0.05751; TOPMed 0.09502; gnomAD 0.10038 and 0.10215; ESP Exome Variant Server 0.10657; gnomAD exomes 0.10888 and 0.12817; ExAC 0.11091.
gnomAD v4.1: 202,235 of 1,611,512 alleles (13%); highest among the groups gnomAD compares: Middle Eastern, 22%; 14,051 homozygotes.

Submissions (4):

Labcorp Genetics (formerly Invitae), Labcorp
Classification: Benign. Last evaluated: 2026-02-04. Review status: criteria provided, single submitter. Criteria: Invitae Variant Classification Sherloc (09022015). Collection method: clinical testing. Allele origin: germline.

Blueprint Genetics
Classification: Likely benign. Last evaluated: 2024-11-27. Review status: criteria provided, single submitter. Criteria: ACMG Guidelines, 2015. Collection method: clinical testing. Allele origin: germline.

Unidad de Genómica Garrahan, Hospital de Pediatría Garrahan
Classification: Benign. Last evaluated: 2024-01-24. Review status: criteria provided, single submitter. Criteria: ACMG Guidelines, 2015. Collection method: clinical testing. Allele origin: germline. Affected: no. Observed: 22 variant alleles.
Comment: This variant is classified as Benign based on local population frequency. This variant was detected in 23% of patients studied by a panel of primary immunodeficiencies. Number of patients: 22. Only high quality variants are reported.

Genome-Nilou Lab
Classification: Benign for Singleton-Merten syndrome 2. Last evaluated: 2021-07-30. Review status: criteria provided, single submitter. Criteria: ACMG Guidelines, 2015. Collection method: clinical testing. Allele origin: germline. Affected: no.